The following is an entry in ClinVar:

ClinVar aggregate classification (germline): Uncertain significance (1 of 4 stars; one submission).

Allele frequency attached by ClinVar (database versions not stated): gnomAD exomes below 0.00001; gnomAD 0.00001.
gnomAD v4.1: 2 of 1,605,694 alleles (0.00012%); highest among the groups gnomAD compares: South Asian, 0.0022%; no homozygotes.

Submission:

Labcorp Genetics (formerly Invitae), Labcorp
Classification: Uncertain significance. Last evaluated: 2021-06-15. Review status: criteria provided, single submitter. Criteria: Invitae Variant Classification Sherloc (09022015). Collection method: clinical testing. Allele origin: germline.
Comment: This sequence change replaces isoleucine with threonine at codon 1067 of the TTLL5 protein (p.Ile1067Thr). The isoleucine residue is weakly conserved and there is a moderate physicochemical difference between isoleucine and threonine. This variant is not present in population databases (ExAC no frequency). This variant has not been reported in the literature in individuals with TTLL5-related conditions. Algorithms developed to predict the effect of missense changes on protein structure and function (SIFT, PolyPhen-2, Align-GVGD) all suggest that this variant is likely to be tolerated, but these predictions have not been confirmed by published functional studies and their clinical significance is uncertain. In summary, the available evidence is currently insufficient to determine the role of this variant in disease. Therefore, it has been classified as a Variant of Uncertain Significance.

NM_015072.5(TTLL5):c.3200T>C (p.Ile1067Thr)

Gene: TTLL5 (tubulin tyrosine ligase like 5; plus strand). Cytogenetic location: 14q24.3.
Variant type: single nucleotide variant.
Coding change: c.3200T>C on transcript NM_015072.5 (MANE Select); coding-DNA position 3200, T replaced by C.
Protein change: p.Ile1067Thr; replaces isoleucine 1067 with threonine.
Molecular consequence: missense variant.
Genome position (GRCh38, 1-based): chr14:75,820,035, T>C. VCF-style: chr14-75820035-T-C. GRCh37 (hg19) VCF-style: chr14-76286378-T-C.
Other names: short protein forms I1067T.
Identifiers: ClinVar variation 1346726 (VCV001346726.8), dbSNP rs1329633330, ClinGen allele CA390536421.